The following is an entry in ClinVar:

NM_001042492.3(NF1):c.6790A>T (p.Ile2264Leu)

Gene: NF1 (neurofibromin 1; plus strand). Cytogenetic location: 17q11.2.
Variant type: single nucleotide variant.
Coding change: c.6790A>T on transcript NM_001042492.3 (MANE Select); coding-DNA position 6790, A replaced by T.
Protein change: p.Ile2264Leu; replaces isoleucine 2264 with leucine.
Molecular consequence: missense variant.
Genome position (GRCh38, 1-based): chr17:31,338,110, A>T. VCF-style: chr17-31338110-A-T. GRCh37 (hg19) VCF-style: chr17-29665128-A-T.
Other names: c.6727A>T, p.Ile2243Leu (NM_000267.4); short protein forms I2243L, I2264L.
Identifiers: ClinVar variation 404595 (VCV000404595.12), dbSNP rs761213794, ClinGen allele CA8487426.
Genomic context (GRCh38, chr17:31,338,110, plus strand): 5'-CTGCAACCAAGAGCTCTTGTTGTCTTTGGGTGTATTAGCAAACGAGTGTCTCATGGGCAG[A>T]TAAAGCAGATAATCCGTATTCTTAGCAAGGTACCTGTTCCGCCCTCACTTCTCCCAAATA-3'
Protein context (NP_001035957.1, residues 2254-2274): CISKRVSHGQ[Ile2264Leu]KQIIRILSKA

ClinVar aggregate classification (germline): Conflicting classifications of pathogenicity. Review status: criteria provided, conflicting classifications (1 of 4 stars). 4 submissions from 4 submitters: Uncertain significance (3); Likely benign (1). Last evaluated 2025-02-16.

Conditions:
Cardiovascular phenotype. Identifiers: MedGen CN230736.
Hereditary cancer-predisposing syndrome. Also called: Neoplastic Syndromes, Hereditary; Tumor predisposition; Hereditary Cancer Syndrome; Hereditary neoplastic syndrome. Identifiers: Orphanet 140162, MedGen C0027672, MeSH D009386, MONDO:0015356.
Neurofibromatosis, type 1 (NF1). Also called: VON RECKLINGHAUSEN DISEASE; NEUROFIBROMATOSIS, TYPE I, SOMATIC; Peripheral type neurofibromatosis; Neurofibromatosis, type I. Identifiers: Orphanet 636, MedGen C0027831, MONDO:0018975, OMIM 162200. Disease mechanism: loss of function.

Allele frequency attached by ClinVar (database versions not stated): gnomAD exomes 0.00001; ExAC 0.00002.
gnomAD v4.1: 5 of 1,613,754 alleles (0.00031%); highest among the groups gnomAD compares: Non-Finnish European, 0.00042%; no homozygotes.

Submissions (4):

Labcorp Genetics (formerly Invitae), Labcorp
Classification: Uncertain significance for Neurofibromatosis, type 1. Last evaluated: 2025-02-16. Review status: criteria provided, single submitter. Criteria: Invitae Variant Classification Sherloc (09022015). Collection method: clinical testing. Allele origin: germline.
Comment: This sequence change replaces isoleucine, which is neutral and non-polar, with leucine, which is neutral and non-polar, at codon 2243 of the NF1 protein (p.Ile2243Leu). This variant is present in population databases (rs761213794, gnomAD 0.003%). This variant has not been reported in the literature in individuals affected with NF1-related conditions. ClinVar contains an entry for this variant (Variation ID: 404595). Invitae Evidence Modeling of protein sequence and biophysical properties (such as structural, functional, and spatial information, amino acid conservation, physicochemical variation, residue mobility, and thermodynamic stability) indicates that this missense variant is not expected to disrupt NF1 protein function with a negative predictive value of 95%. In summary, the available evidence is currently insufficient to determine the role of this variant in disease. Therefore, it has been classified as a Variant of Uncertain Significance.

Blueprint Genetics
Classification: Uncertain significance. Last evaluated: 2024-11-14. Review status: criteria provided, single submitter. Criteria: ACMG Guidelines, 2015. Collection method: clinical testing. Allele origin: germline.

Ambry Genetics
Classification: Uncertain significance for Cardiovascular phenotype; Hereditary cancer-predisposing syndrome. Last evaluated: 2020-02-26. Review status: criteria provided, single submitter. Criteria: Ambry Variant Classification Scheme 2023. Collection method: clinical testing. Allele origin: germline.
Comment: The p.I2243L variant (also known as c.6727A>T), located in coding exon 44 of the NF1 gene, results from an A to T substitution at nucleotide position 6727. The isoleucine at codon 2243 is replaced by leucine, an amino acid with highly similar properties. This amino acid position is highly conserved in available vertebrate species. In addition, this alteration is predicted to be tolerated by in silico analysis. Since supporting evidence is limited at this time, the clinical significance of this alteration remains unclear.

GeneDx
Classification: Likely benign. Last evaluated: 2018-11-09. Review status: criteria provided, single submitter. Criteria: GeneDx Variant Classification Process June 2021. Collection method: clinical testing. Allele origin: germline. Affected: yes.